The following is an entry in ClinVar:

NM_003640.5(ELP1):c.2860+1G>C

Gene: ELP1 (elongator acetyltransferase complex subunit 1; minus strand). Cytogenetic location: 9q31.3.
Variant type: single nucleotide variant.
Coding change: c.2860+1G>C on transcript NM_003640.5 (MANE Select); the canonical splice donor site of the intron after coding-DNA position 2860, G replaced by C.
Molecular consequence: splice donor variant.
Genome position (GRCh38, 1-based): chr9:108,893,942, C>G on the plus strand (G>C on the coding strand, the complement: ELP1 is on the minus strand). VCF-style: chr9-108893942-C-G. GRCh37 (hg19) VCF-style: chr9-111656222-C-G.
Other names: c.2518+1G>C (NM_001318360.2); c.1813+1G>C (NM_001330749.2).
Identifiers: ClinVar variation 2122900 (VCV002122900.4), dbSNP rs1242880171, ClinGen allele CA374418704.
Genomic context (GRCh38, chr9:108,893,942, plus strand): 5'-ACCTTGCCTAGTTCCAAAGAAGATCTGAAGTAGAGATAAACATACTAATCCCCACACTTA[C>G]CACATTTGCTGAGGTGGCCAATGGCTTTTTCATATCGTTTCAAGTATTTGTCTATAGTAA-3'

ClinVar aggregate classification (germline): Likely pathogenic (1 of 4 stars; one submission).

Submission:

Labcorp Genetics (formerly Invitae), Labcorp
Classification: Likely pathogenic. Last evaluated: 2022-04-08. Review status: criteria provided, single submitter. Criteria: Invitae Variant Classification Sherloc (09022015). Collection method: clinical testing. Allele origin: germline.
Comment: This sequence change affects a donor splice site in intron 26 of the ELP1 gene. It is expected to disrupt RNA splicing. Variants that disrupt the donor or acceptor splice site typically lead to a loss of protein function (PMID: 16199547), and loss-of-function variants in ELP1 are known to be pathogenic (PMID: 18303054, 24173031). This variant is not present in population databases (gnomAD no frequency). This variant has not been reported in the literature in individuals affected with ELP1-related conditions. Algorithms developed to predict the effect of sequence changes on RNA splicing suggest that this variant may disrupt the consensus splice site. In summary, the currently available evidence indicates that the variant is pathogenic, but additional data are needed to prove that conclusively. Therefore, this variant has been classified as Likely Pathogenic.

Literature cited by the submitters: PubMed 16199547; PubMed 18303054; PubMed 24173031.